The following is an entry in ClinVar:

NM_017934.7(PHIP):c.2028T>C (p.Ser676=)

Gene: PHIP (PHIP subunit of CUL4-Ring ligase complex; minus strand). Cytogenetic location: 6q14.1.
Variant type: single nucleotide variant.
Coding change: c.2028T>C on transcript NM_017934.7 (MANE Select); coding-DNA position 2028, T replaced by C.
Protein change: p.Ser676=; no amino-acid change (serine 676 retained).
Molecular consequence: synonymous variant.
Genome position (GRCh38, 1-based): chr6:78,997,587, A>G on the plus strand (T>C on the coding strand, the complement: PHIP is on the minus strand). VCF-style: chr6-78997587-A-G. GRCh37 (hg19) VCF-style: chr6-79707304-A-G.
Identifiers: ClinVar variation 4998548 (VCV004998548.1).

ClinVar aggregate classification (germline): Likely benign (1 of 4 stars; one submission).

Conditions:
PHIP-related disorder. Also called: PHIP-related disorders; PHIP-related condition.

Submission:

PreventionGenetics, part of Exact Sciences
Classification: Likely benign for PHIP-related condition. Last evaluated: 2025-02-03. Review status: criteria provided, single submitter. Criteria: ACMG Guidelines, 2015. Collection method: clinical testing. Allele origin: germline.
Comment: This variant is classified as likely benign based on ACMG/AMP sequence variant interpretation guidelines (Richards et al. 2015 PMID: 25741868, with internal and published modifications).